The following is an entry in ClinVar:

NM_005570.4(LMAN1):c.605G>A (p.Arg202Gln)

Gene: LMAN1 (lectin, mannose binding 1; minus strand). Cytogenetic location: 18q21.32.
Variant type: single nucleotide variant.
Coding change: c.605G>A on transcript NM_005570.4 (MANE Select); coding-DNA position 605, G replaced by A.
Protein change: p.Arg202Gln; replaces arginine 202 with glutamine.
Molecular consequence: missense variant.
Genome position (GRCh38, 1-based): chr18:59,353,236, C>T on the plus strand (G>A on the coding strand, the complement: LMAN1 is on the minus strand). VCF-style: chr18-59353236-C-T. GRCh37 (hg19) VCF-style: chr18-57020468-C-T.
Other names: short protein forms R202Q.
Identifiers: ClinVar variation 3040905 (VCV003040905.3), dbSNP rs146465318, ClinGen allele CA8979905.

ClinVar aggregate classification (germline): Likely benign. Review status: criteria provided, single submitter (1 of 4 stars). 2 submissions from 2 submitters: Likely benign (1). 1 of the submissions does not count toward it. Last evaluated 2026-01-24.

Conditions:
LMAN1-related disorder. Also called: LMAN1-related condition.

Allele frequency attached by ClinVar (database versions not stated): ExAC 0.00034; ESP Exome Variant Server 0.00062; gnomAD 0.00083; TOPMed 0.00104; 1000 Genomes Project 30x 0.00203; 1000 Genomes Project 0.00260.

Submissions (2):

Labcorp Genetics (formerly Invitae), Labcorp
Classification: Likely benign. Last evaluated: 2026-01-24. Review status: criteria provided, single submitter. Criteria: Invitae Variant Classification Sherloc (09022015). Collection method: clinical testing. Allele origin: germline.

PreventionGenetics, part of Exact Sciences
Classification: Likely benign for LMAN1-related condition. Last evaluated: 2023-07-03. Review status: no assertion criteria provided. Collection method: clinical testing. Allele origin: germline. Not counted in ClinVar's aggregate classification.
Comment: This variant is classified as likely benign based on ACMG/AMP sequence variant interpretation guidelines (Richards et al. 2015 PMID: 25741868, with internal and published modifications).